The following is an entry in ClinVar:

NM_177438.3(DICER1):c.4832A>G (p.Asn1611Ser)

Gene: DICER1 (dicer 1, ribonuclease III; minus strand). Cytogenetic location: 14q32.13.
Variant type: single nucleotide variant.
Coding change: c.4832A>G on transcript NM_177438.3 (MANE Select); coding-DNA position 4832, A replaced by G.
Protein change: p.Asn1611Ser; replaces asparagine 1611 with serine.
Molecular consequence: missense variant.
Genome position (GRCh38, 1-based): chr14:95,096,088, T>C on the plus strand (A>G on the coding strand, the complement: DICER1 is on the minus strand). VCF-style: chr14-95096088-T-C. GRCh37 (hg19) VCF-style: chr14-95562425-T-C.
Other names: c.4832A>G, p.Asn1611Ser (NM_001195573.1, NM_001271282.3, NM_001291628.2 and 1 more transcripts); short protein forms N1611S.
Identifiers: ClinVar variation 851777 (VCV000851777.12), dbSNP rs763472931, ClinGen allele CA7330788.

ClinVar aggregate classification (germline): Conflicting classifications of pathogenicity. Review status: criteria provided, conflicting classifications (1 of 4 stars). 3 submissions from 3 submitters: Uncertain significance (2); Likely benign (1). Last evaluated 2025-08-19.

Conditions:
DICER1-related tumor predisposition. Also called: DICER1 syndrome; DICER1-related pleuropulmonary blastoma cancer predisposition syndrome. Identifiers: Orphanet 284343, MedGen C3839822, MONDO:0100216.
Hereditary cancer-predisposing syndrome. Also called: Neoplastic Syndromes, Hereditary; Hereditary Cancer Syndrome; Hereditary neoplastic syndrome; Tumor predisposition. Identifiers: Orphanet 140162, MedGen C0027672, MeSH D009386, MONDO:0015356.

gnomAD v4.1: 23 of 1,614,226 alleles (0.0014%); highest among the groups gnomAD compares: Non-Finnish European, 0.0017%; no homozygotes.

Submissions (3):

Labcorp Genetics (formerly Invitae), Labcorp
Classification: Uncertain significance for DICER1-related tumor predisposition. Last evaluated: 2025-08-19. Review status: criteria provided, single submitter. Criteria: Invitae Variant Classification Sherloc (09022015). Collection method: clinical testing. Allele origin: germline.
Comment: This sequence change replaces asparagine, which is neutral and polar, with serine, which is neutral and polar, at codon 1611 of the DICER1 protein (p.Asn1611Ser). This variant is present in population databases (rs763472931, gnomAD 0.0009%). This variant has not been reported in the literature in individuals affected with DICER1-related conditions. ClinVar contains an entry for this variant (Variation ID: 851777). Invitae Evidence Modeling of protein sequence and biophysical properties (such as structural, functional, and spatial information, amino acid conservation, physicochemical variation, residue mobility, and thermodynamic stability) indicates that this missense variant is not expected to disrupt DICER1 protein function with a negative predictive value of 95%. In summary, the available evidence is currently insufficient to determine the role of this variant in disease. Therefore, it has been classified as a Variant of Uncertain Significance.

Quest Diagnostics Nichols Institute San Juan Capistrano
Classification: Uncertain significance. Last evaluated: 2024-04-18. Review status: criteria provided, single submitter. Criteria: Quest Diagnostics criteria. Collection method: clinical testing. Allele origin: unknown.
Comment: The DICER1 c.4832A>G (p.Asn1611Ser) variant has not been reported in individuals with DICER1-related conditions in the published literature. The frequency of this variant in the general population, 0.000004 (1/251370 chromosomes (Genome Aggregation Database)), is uninformative in the assessment of its pathogenicity. Analysis of this variant using bioinformatics tools for the prediction of the effect of amino acid changes on protein structure and function yielded predictions that this variant is benign. Based on the available information, we are unable to determine the clinical significance of this variant.

Ambry Genetics
Classification: Likely benign for Hereditary cancer-predisposing syndrome. Last evaluated: 2019-12-30. Review status: criteria provided, single submitter. Criteria: Ambry Variant Classification Scheme 2023. Collection method: clinical testing. Allele origin: germline.